The following is an entry in ClinVar:

NM_024642.5(GALNT12):c.1204G>A (p.Ala402Thr)

Gene: GALNT12 (polypeptide N-acetylgalactosaminyltransferase 12; plus strand). Cytogenetic location: 9q22.33.
Variant type: single nucleotide variant.
Coding change: c.1204G>A on transcript NM_024642.5 (MANE Select); coding-DNA position 1204, G replaced by A.
Protein change: p.Ala402Thr; replaces alanine 402 with threonine.
Molecular consequence: missense variant.
Genome position (GRCh38, 1-based): chr9:98,837,140, G>A. VCF-style: chr9-98837140-G-A. GRCh37 (hg19) VCF-style: chr9-101599422-G-A.
Other names: short protein forms A402T.
Identifiers: ClinVar variation 1748448 (VCV001748448.2), dbSNP rs2490533869, ClinGen allele CA374220074.

ClinVar aggregate classification (germline): Uncertain significance (1 of 4 stars; one submission).

Submission:

Ambry Genetics
Classification: Uncertain significance. Last evaluated: 2022-03-18. Review status: criteria provided, single submitter. Criteria: Ambry Variant Classification Scheme 2023. Collection method: clinical testing. Allele origin: germline.
Comment: The p.A402T variant (also known as c.1204G>A), located in coding exon 6 of the GALNT12 gene, results from a G to A substitution at nucleotide position 1204. The alanine at codon 402 is replaced by threonine, an amino acid with similar properties. This amino acid position is highly conserved in available vertebrate species. In addition, this alteration is predicted to be deleterious by in silico analysis. The evidence for this gene-disease relationship is limited; therefore, the clinical significance of this alteration is unclear.